The following is an entry in ClinVar:

ClinVar aggregate classification (germline): Likely benign (1 of 4 stars; one submission).

Conditions:
Primary ciliary dyskinesia 13. Also called: CILIARY DYSKINESIA, PRIMARY, 13, WITH OR WITHOUT SITUS INVERSUS. Identifiers: Orphanet 244, MedGen C2750790, MONDO:0013174, OMIM 613193.

Allele frequency attached by ClinVar (database versions not stated): 1000 Genomes Project 0.00599; gnomAD 0.00632; 1000 Genomes Project 30x 0.00640; TOPMed 0.00670.
gnomAD v4.1: 1,687 of 1,331,770 alleles (0.13%); highest among the groups gnomAD compares: African/African-American, 2.1%; 23 homozygotes.

Submission:

Illumina Laboratory Services, Illumina
Classification: Likely benign for Primary ciliary dyskinesia 13. Last evaluated: 2018-01-12. Review status: criteria provided, single submitter. Criteria: ICSL Variant Classification Criteria 13 December 2019. Collection method: clinical testing. Allele origin: germline.
Comment: This variant was observed in the ICSL laboratory as part of a predisposition screen in an ostensibly healthy population. It had not been previously curated by ICSL or reported in the Human Gene Mutation Database (HGMD: prior to June 1st, 2018), and was therefore a candidate for classification through an automated scoring system. Utilizing variant allele frequency, disease prevalence and penetrance estimates, and inheritance mode, an automated score was calculated to assess if this variant is too frequent to cause the disease. Based on the score and internal cut-off values, a variant classified as likely benign is not then subjected to further curation. The score for this variant resulted in a classification of likely benign for this disease.

NM_178452.6(DNAAF1):c.*67T>C

Genes: TAF1C (TATA-box binding protein associated factor, RNA polymerase I subunit C; minus strand), DNAAF1 (dynein axonemal assembly factor 1; plus strand). Cytogenetic location: 16q24.1.
Variant type: single nucleotide variant.
Coding change: c.*67T>C on transcript NM_178452.6 (MANE Select); 67 bases downstream of the stop codon, T replaced by C.
Molecular consequence: 3 prime UTR variant.
Genome position (GRCh38, 1-based): chr16:84,177,908, T>C. VCF-style: chr16-84177908-T-C. GRCh37 (hg19) VCF-style: chr16-84211514-T-C.
Other names: c.*1033A>G (NM_139353.3, NM_001243156.2, NM_001243157.2 and 4 more transcripts); c.*67T>C (NM_001318756.1).
Identifiers: ClinVar variation 320784 (VCV000320784.5), dbSNP rs4150186, ClinGen allele CA10644393.